The following is an entry in ClinVar:

ClinVar aggregate classification (germline): Uncertain significance. Review status: criteria provided, multiple submitters, no conflicts (2 of 4 stars). 2 submissions from 2 submitters: Uncertain significance (2). Last evaluated 2023-02-16.

Conditions:
Alstrom syndrome (ALMS). Identifiers: Orphanet 64, MedGen C0268425, MONDO:0008763, OMIM 203800.

Allele frequency attached by ClinVar (database versions not stated): gnomAD exomes below 0.00001; ExAC 0.00001; TOPMed 0.00001.
gnomAD v4.1: 7 of 1,614,126 alleles (0.00043%); highest among the groups gnomAD compares: Middle Eastern, 0.016%; no homozygotes.

Submissions (2):

Blueprint Genetics
Classification: Uncertain significance. Last evaluated: 2023-02-16. Review status: criteria provided, single submitter. Criteria: ACMG Guidelines, 2015. Collection method: clinical testing. Allele origin: germline.

Labcorp Genetics (formerly Invitae), Labcorp
Classification: Uncertain significance for Alstrom syndrome. Last evaluated: 2022-03-08. Review status: criteria provided, single submitter. Criteria: Invitae Variant Classification Sherloc (09022015). Collection method: clinical testing. Allele origin: germline.
Comment: This sequence change replaces glycine, which is neutral and non-polar, with glutamic acid, which is acidic and polar, at codon 3063 of the ALMS1 protein (p.Gly3063Glu). This variant is present in population databases (rs771481456, gnomAD 0.004%). This variant has not been reported in the literature in individuals affected with ALMS1-related conditions. Experimental studies and prediction algorithms are not available or were not evaluated, and the functional significance of this variant is currently unknown. In summary, the available evidence is currently insufficient to determine the role of this variant in disease. Therefore, it has been classified as a Variant of Uncertain Significance.

NM_001378454.1(ALMS1):c.9185G>A (p.Gly3062Glu)

Gene: ALMS1 (ALMS1 centrosome and basal body associated protein; plus strand). Cytogenetic location: 2p13.1.
Variant type: single nucleotide variant.
Coding change: c.9185G>A on transcript NM_001378454.1 (MANE Select); coding-DNA position 9185, G replaced by A.
Protein change: p.Gly3062Glu; replaces glycine 3062 with glutamic acid.
Molecular consequence: missense variant.
Genome position (GRCh38, 1-based): chr2:73,491,144, G>A. VCF-style: chr2-73491144-G-A. GRCh37 (hg19) VCF-style: chr2-73718271-G-A.
Other names: c.9188G>A, p.Gly3063Glu (NM_015120.4); short protein forms G3063E, G3062E.
Identifiers: ClinVar variation 2061882 (VCV002061882.2), dbSNP rs771481456, ClinGen allele CA1714618.